The following is an entry in ClinVar:

NM_001042681.2(RERE):c.2439_2450del (p.Pro817_Pro820del)

Gene: RERE (arginine-glutamic acid dipeptide repeats; minus strand). Cytogenetic location: 1p36.23.
Variant type: Deletion.
Coding change: c.2439_2450del on transcript NM_001042681.2 (MANE Select); coding-DNA positions 2439 to 2450, 12 bases deleted (ACCGCATCCCCC).
Protein change: p.Pro817_Pro820del.
Molecular consequence: inframe deletion.
Genome position (GRCh38, 1-based): chr1:8,361,057-8,361,068, GGGGGATGCGGT deleted on the plus strand (ACCGCATCCCCC on the coding strand, the reverse complement: RERE is on the minus strand); deleting any 12 consecutive bases within chr1:8,361,057-8,361,069 gives the same sequence; the c. name uses the placement nearest the transcript's 3' end. VCF-style (leftmost placement, unchanged base first): chr1-8361056-CGGGGGATGCGGT-C. GRCh37 (hg19) VCF-style: chr1-8421116-CGGGGGATGCGGT-C.
Other names: c.777_788del, p.Pro263_Pro266del (NM_001042682.2); c.2439_2450del, p.Pro817_Pro820del (NM_012102.4).
Identifiers: ClinVar variation 2629669 (VCV002629669.1), dbSNP rs2522718758, ClinGen allele CA2574199503.

ClinVar aggregate classification (germline): Uncertain significance (1 of 4 stars; one submission).

Conditions:
RERE-related disorder. Also called: RERE-Related Disorders; RERE-related condition. Identifiers: MedGen CN381537.

Submission:

PreventionGenetics, part of Exact Sciences
Classification: Uncertain significance for RERE-related condition. Last evaluated: 2023-05-21. Review status: criteria provided, single submitter. Criteria: ACMG Guidelines, 2015. Collection method: clinical testing. Allele origin: germline.
Comment: The RERE c.2439_2450del12 variant is predicted to result in an in-frame deletion (p.Pro817_Pro820del). To our knowledge, this variant has not been reported in the literature or in a large population database, indicating this variant is rare. At this time, the clinical significance of this variant is uncertain due to the absence of conclusive functional and genetic evidence.